The following is an entry in ClinVar:

ClinVar aggregate classification (germline): Pathogenic (1 of 4 stars; one submission).

gnomAD v4.1: 1 of 1,614,116 alleles (0.000062%); no homozygotes.

Submission:

GeneDx
Classification: Pathogenic. Last evaluated: 2024-05-18. Review status: criteria provided, single submitter. Criteria: GeneDx Variant Classification Process June 2021. Collection method: clinical testing. Allele origin: germline. Affected: yes.
Comment: Nonsense variant predicted to result in protein truncation or nonsense mediated decay in a gene for which loss-of-function is a known mechanism of disease; Not observed in large population cohorts (gnomAD); Has not been previously published as pathogenic or benign to our knowledge

NM_015378.4(VPS13D):c.1513C>T (p.Arg505Ter)

Gene: VPS13D (vacuolar protein sorting 13 homolog D; plus strand). Cytogenetic location: 1p36.22.
Variant type: single nucleotide variant.
Coding change: c.1513C>T on transcript NM_015378.4 (MANE Select); coding-DNA position 1513, C replaced by T.
Protein change: p.Arg505Ter; replaces arginine 505 with a stop codon.
Molecular consequence: nonsense.
Genome position (GRCh38, 1-based): chr1:12,261,999, C>T. VCF-style: chr1-12261999-C-T. GRCh37 (hg19) VCF-style: chr1-12322056-C-T.
Other names: c.1513C>T, p.Arg505Ter (NM_018156.4); short protein forms R505*.
Identifiers: ClinVar variation 3381398 (VCV003381398.1).
Genomic context (GRCh38, chr1:12,261,999, plus strand): 5'-TGTATGAACACGTATACAAAGCGAGATCATGTCTTTGCCAAACTGAATTTGCAGTTGCAG[C>T]GAGGTACAGTGACTCTGTTACACAAGGAGCAAGGAACTCCTCAAATGAATGAAAGTGCTT-3'